The following is an entry in ClinVar:

ClinVar aggregate classification (germline): Uncertain significance (1 of 4 stars; one submission).

Conditions:
Immunodeficiency 28 (IMD28). Also called: IFNGR2 DEFICIENCY. Identifiers: Orphanet 319547, Orphanet 319574, MedGen C4013947, MONDO:0013953, OMIM 614889.

Allele frequency attached by ClinVar (database versions not stated): ExAC 0.00001; gnomAD exomes 0.00001; gnomAD 0.00002 and 0.00003; TOPMed 0.00002.
gnomAD v4.1: 18 of 1,613,452 alleles (0.0011%); highest among the groups gnomAD compares: East Asian, 0.0022%; no homozygotes.

Submission:

Labcorp Genetics (formerly Invitae), Labcorp
Classification: Uncertain significance for Immunodeficiency 28. Last evaluated: 2020-12-27. Review status: criteria provided, single submitter. Criteria: Invitae Variant Classification Sherloc (09022015). Collection method: clinical testing. Allele origin: germline.
Comment: In summary, the available evidence is currently insufficient to determine the role of this variant in disease. Therefore, it has been classified as a Variant of Uncertain Significance. Algorithms developed to predict the effect of missense changes on protein structure and function (SIFT, PolyPhen-2, Align-GVGD) all suggest that this variant is likely to be disruptive, but these predictions have not been confirmed by published functional studies and their clinical significance is uncertain. This variant has not been reported in the literature in individuals with IFNGR2-related conditions. This variant is present in population databases (rs755628412, ExAC 0.002%). This sequence change replaces proline with serine at codon 162 of the IFNGR2 protein (p.Pro162Ser). The proline residue is highly conserved and there is a moderate physicochemical difference between proline and serine.

NM_005534.4(IFNGR2):c.484C>T (p.Pro162Ser)

Gene: IFNGR2 (interferon gamma receptor 2; plus strand). Cytogenetic location: 21q22.11.
Variant type: single nucleotide variant.
Coding change: c.484C>T on transcript NM_005534.4 (MANE Select); coding-DNA position 484, C replaced by T.
Protein change: p.Pro162Ser; replaces proline 162 with serine.
Molecular consequence: missense variant.
Genome position (GRCh38, 1-based): chr21:33,426,955, C>T. VCF-style: chr21-33426955-C-T. GRCh37 (hg19) VCF-style: chr21-34799262-C-T.
Other names: c.541C>T, p.Pro181Ser (NM_001329128.2); short protein forms P162S, P181S.
Identifiers: ClinVar variation 1440523 (VCV001440523.7), dbSNP rs755628412, ClinGen allele CA10006950.